The following is an entry in ClinVar:

NM_203475.3(PORCN):c.1312A>C (p.Lys438Gln)

Gene: PORCN (porcupine O-acyltransferase; plus strand). Cytogenetic location: Xp11.23.
Variant type: single nucleotide variant.
Coding change: c.1312A>C on transcript NM_203475.3 (MANE Select); coding-DNA position 1312, A replaced by C.
Protein change: p.Lys438Gln; replaces lysine 438 with glutamine.
Molecular consequence: missense variant.
Genome position (GRCh38, 1-based): chrX:48,520,402, A>C. VCF-style: chrX-48520402-A-C. GRCh37 (hg19) VCF-style: chrX-48378790-A-C.
Other names: c.1066A>C, p.Lys356Gln (NM_001282167.2); c.1279A>C, p.Lys427Gln (NM_022825.4); c.1297A>C, p.Lys433Gln (NM_203473.3); c.1294A>C, p.Lys432Gln (NM_203474.1); short protein forms K356Q, K438Q, K427Q, K432Q, K433Q.
Identifiers: ClinVar variation 2836761 (VCV002836761.3), dbSNP rs2519511835, ClinGen allele CA412850040.

ClinVar aggregate classification (germline): Uncertain significance (1 of 4 stars; one submission).

Submission:

Labcorp Genetics (formerly Invitae), Labcorp
Classification: Uncertain significance. Last evaluated: 2023-08-07. Review status: criteria provided, single submitter. Criteria: Invitae Variant Classification Sherloc (09022015). Collection method: clinical testing. Allele origin: germline.
Comment: Advanced modeling of protein sequence and biophysical properties (such as structural, functional, and spatial information, amino acid conservation, physicochemical variation, residue mobility, and thermodynamic stability) performed at Invitae indicates that this missense variant is expected to disrupt PORCN protein function. In summary, the available evidence is currently insufficient to determine the role of this variant in disease. Therefore, it has been classified as a Variant of Uncertain Significance. This variant has not been reported in the literature in individuals affected with PORCN-related conditions. This sequence change replaces lysine, which is basic and polar, with glutamine, which is neutral and polar, at codon 438 of the PORCN protein (p.Lys438Gln). This variant is not present in population databases (gnomAD no frequency).